The following is an entry in ClinVar:

ClinVar aggregate classification (germline): Uncertain significance (1 of 4 stars; one submission).

Conditions:
Hereditary cancer-predisposing syndrome. Also called: Hereditary Cancer Syndrome; Hereditary neoplastic syndrome; Tumor predisposition; Neoplastic Syndromes, Hereditary. Identifiers: Orphanet 140162, MedGen C0027672, MeSH D009386, MONDO:0015356.
Cardiovascular phenotype. Identifiers: MedGen CN230736.

Submission:

Ambry Genetics
Classification: Uncertain significance for Cardiovascular phenotype; Hereditary cancer-predisposing syndrome. Last evaluated: 2024-11-24. Review status: criteria provided, single submitter. Criteria: Ambry Variant Classification Scheme 2023. Collection method: clinical testing. Allele origin: germline.
Comment: The p.A744S variant (also known as c.2230G>T), located in coding exon 19 of the LZTR1 gene, results from a G to T substitution at nucleotide position 2230. The alanine at codon 744 is replaced by serine, an amino acid with similar properties. This amino acid position is conserved. In addition, this alteration is predicted to be tolerated by in silico analysis. Based on the available evidence, the clinical significance of this variant remains unclear.

NM_006767.4(LZTR1):c.2230G>T (p.Ala744Ser)

Gene: LZTR1 (leucine zipper like post translational regulator 1; plus strand). Cytogenetic location: 22q11.21.
Variant type: single nucleotide variant.
Coding change: c.2230G>T on transcript NM_006767.4 (MANE Select); coding-DNA position 2230, G replaced by T.
Protein change: p.Ala744Ser; replaces alanine 744 with serine.
Molecular consequence: missense variant.
Genome position (GRCh38, 1-based): chr22:20,996,706, G>T. VCF-style: chr22-20996706-G-T. GRCh37 (hg19) VCF-style: chr22-21350995-G-T.
Other names: short protein forms A744S.
Identifiers: ClinVar variation 3541719 (VCV003541719.1).
Genomic context (GRCh38, chr22:20,996,706, plus strand): 5'-GGGTGCGGGCGGACCAGCTTCCTTTAGTCAGCTCCTTAACCAGGCCCCAGCTACTTGTTT[G>T]CGGCCCCCTACTACTACGGCTTCTACAACAACCGGCTGCAGGCGTACTGCAAGCAGAACC-3'
Protein context (NP_006758.2, residues 734-754): MPPEDSLYLF[Ala744Ser]APYYYGFYNN